The following is an entry in ClinVar:

ClinVar aggregate classification (germline): Conflicting classifications of pathogenicity. Review status: criteria provided, conflicting classifications (1 of 4 stars). 4 submissions from 4 submitters: Uncertain significance (2); Likely benign (1). 1 of the submissions does not count toward it. Last evaluated 2026-01-21.

Conditions:
Inborn genetic diseases. Identifiers: MedGen C0950123, MeSH D030342.
Nemaline myopathy 2 (NEM2). Also called: Nemaline myopathy 2, autosomal recessive. Identifiers: MedGen C1850569, MONDO:0009725, OMIM 256030.

Allele frequency attached by ClinVar (database versions not stated): ExAC 0.00003; gnomAD exomes 0.00003 and 0.00005; TOPMed 0.00005; gnomAD 0.00006 and 0.00007; 1000 Genomes Project 30x 0.00016; 1000 Genomes Project 0.00020.
gnomAD v4.1: 49 of 1,613,964 alleles (0.003%); highest among the groups gnomAD compares: Admixed American, 0.015%; no homozygotes.

Submissions (4):

Labcorp Genetics (formerly Invitae), Labcorp
Classification: Likely benign for Nemaline myopathy 2. Last evaluated: 2026-01-21. Review status: criteria provided, single submitter. Criteria: Invitae Variant Classification Sherloc (09022015). Collection method: clinical testing. Allele origin: germline.

Revvity Omics, Revvity
Classification: Uncertain significance. Last evaluated: 2024-11-26. Review status: criteria provided, single submitter. Criteria: ACMG Guidelines, 2015. Collection method: clinical testing. Allele origin: germline.

Ambry Genetics
Classification: Uncertain significance for Inborn genetic diseases. Last evaluated: 2023-02-06. Review status: criteria provided, single submitter. Criteria: Ambry Variant Classification Scheme 2023. Collection method: clinical testing. Allele origin: germline.

Natera, Inc.
Classification: Uncertain significance for Nemaline myopathy type 2. Last evaluated: 2020-02-21. Review status: no assertion criteria provided. Collection method: clinical testing. Allele origin: germline. Not counted in ClinVar's aggregate classification.

NM_001164508.2(NEB):c.4103G>A (p.Arg1368His)

Gene: NEB (nebulin; minus strand). Cytogenetic location: 2q23.3.
Variant type: single nucleotide variant.
Coding change: c.4103G>A on transcript NM_001164508.2 (MANE Select); coding-DNA position 4103, G replaced by A.
Protein change: p.Arg1368His; replaces arginine 1368 with histidine.
Molecular consequence: missense variant.
Genome position (GRCh38, 1-based): chr2:151,672,565, C>T on the plus strand (G>A on the coding strand, the complement: NEB is on the minus strand). VCF-style: chr2-151672565-C-T. GRCh37 (hg19) VCF-style: chr2-152529079-C-T.
Other names: c.4103G>A (NM_004543.4); c.4103G>A, p.Arg1368His (NM_001164507.2, NM_001271208.2, NM_004543.5); short protein forms R1368H.
Identifiers: ClinVar variation 657268 (VCV000657268.15), dbSNP rs201984572, ClinGen allele CA1910721.
Genomic context (GRCh38, chr2:151,672,565, plus strand): 5'-ACCATGTCCCCAGGGGTATGGTAGCTGGTTTTGGTGTTCTCATAGTTCTTCTTGTATTCA[C>T]GATCAGACTGCAGCTTTGCCACATTCATATAGTGGACCAGCTTGGGATCATCCTGGAGGC-3'
Protein context (NP_001157980.2, residues 1358-1378): YMNVAKLQSD[Arg1368His]EYKKNYENTK